The following is an entry in ClinVar:

NM_021830.5(TWNK):c.1147A>G (p.Asn383Asp)

Gene: TWNK (twinkle mtDNA helicase; plus strand). Cytogenetic location: 10q24.31.
Variant type: single nucleotide variant.
Coding change: c.1147A>G on transcript NM_021830.5 (MANE Select); coding-DNA position 1147, A replaced by G.
Protein change: p.Asn383Asp; replaces asparagine 383 with aspartic acid.
Molecular consequence: missense variant. On other transcripts: non-coding transcript variant (4), intron variant (3).
Genome position (GRCh38, 1-based): chr10:100,989,357, A>G. VCF-style: chr10-100989357-A-G. GRCh37 (hg19) VCF-style: chr10-102749114-A-G.
Other names: c.1147A>G, p.Asn383Asp (NM_001163812.2); c.-119-287A>G (NM_001163814.2, NM_001163813.2); c.-57-349A>G (NM_001368275.1); short protein forms N383D.
Identifiers: ClinVar variation 426322 (VCV000426322.2), dbSNP rs1085307565, ClinGen allele CA378209932.

ClinVar aggregate classification (germline): Uncertain significance (1 of 4 stars; one submission).

Submission:

GeneDx
Classification: Uncertain significance. Last evaluated: 2017-04-20. Review status: criteria provided, single submitter. Criteria: GeneDx Variant Classification (06012015). Collection method: clinical testing. Allele origin: germline. Affected: yes.
Comment: The N383D variant in the C10orf2 gene has not been reported previously as a pathogenic variant, nor as a benign variant, to our knowledge. The N383D variant is not observed in large population cohorts (Lek et al., 2016; 1000 Genomes Consortium et al., 2015; Exome Variant Server). The N383D variant is a semi-conservative amino acid substitution, which may impact secondary protein structure as these residues differ in some properties. This substitution occurs at a position that is conserved across species. In silico analysis predicts this variant is probably damaging to the protein structure/function. We interpret N383D as a variant of uncertain significance.